The following is an entry in ClinVar:

NM_005732.4(RAD50):c.555C>G (p.Tyr185Ter)

Gene: RAD50 (RAD50 double strand break repair protein; plus strand). Cytogenetic location: 5q31.1.
Variant type: single nucleotide variant.
Coding change: c.555C>G on transcript NM_005732.4 (MANE Select); coding-DNA position 555, C replaced by G.
Protein change: p.Tyr185Ter; replaces tyrosine 185 with a stop codon.
Molecular consequence: nonsense.
Genome position (GRCh38, 1-based): chr5:132,579,865, C>G. VCF-style: chr5-132579865-C-G. GRCh37 (hg19) VCF-style: chr5-131915557-C-G.
Other names: short protein forms Y185*.
Identifiers: ClinVar variation 2138134 (VCV002138134.4), dbSNP rs1285412752, ClinGen allele CA360935388.
Genomic context (GRCh38, chr5:132,579,865, plus strand): 5'-AATATATACCATAATTTACTTTGCCAGAAATTTGATTTTTGTTTCATATCTTCAAAGATA[C>G]ATTAAAGCCTTAGAAACACTTCGGCAGGTACGTCAGACACAAGGTCAGAAAGTAAAAGAA-3'

ClinVar aggregate classification (germline): Pathogenic (1 of 4 stars; one submission).

Conditions:
Hereditary cancer-predisposing syndrome. Also called: Neoplastic Syndromes, Hereditary; Hereditary Cancer Syndrome; Tumor predisposition; Hereditary neoplastic syndrome. Identifiers: Orphanet 140162, MedGen C0027672, MeSH D009386, MONDO:0015356.

Submission:

Labcorp Genetics (formerly Invitae), Labcorp
Classification: Pathogenic for Hereditary cancer-predisposing syndrome. Last evaluated: 2023-10-23. Review status: criteria provided, single submitter. Criteria: Invitae Variant Classification Sherloc (09022015). Collection method: clinical testing. Allele origin: germline.
Comment: This sequence change creates a premature translational stop signal (p.Tyr185*) in the RAD50 gene. It is expected to result in an absent or disrupted protein product. Loss-of-function variants in RAD50 are known to be pathogenic (PMID: 19409520). This variant is not present in population databases (gnomAD no frequency). This variant has not been reported in the literature in individuals affected with RAD50-related conditions. ClinVar contains an entry for this variant (Variation ID: 2138134). Studies have shown that this premature translational stop signal is associated with altered splicing resulting in unknown protein product impact (Invitae). For these reasons, this variant has been classified as Pathogenic.

Literature cited by the submitters: PubMed 19409520.